The following is an entry in ClinVar:

ClinVar aggregate classification (germline): Uncertain significance. Review status: criteria provided, multiple submitters, no conflicts (2 of 4 stars). 3 submissions from 3 submitters: Uncertain significance (3). Last evaluated 2026-02-02.

Conditions:
IMPG1-related disorder. Also called: IMPG1-related condition.

Allele frequency attached by ClinVar (database versions not stated): ESP Exome Variant Server 0.00008; gnomAD 0.00009; TOPMed 0.00009; 1000 Genomes Project 30x 0.00016; 1000 Genomes Project 0.00020; gnomAD exomes 0.00002 and 0.00004; ExAC 0.00007.
gnomAD v4.1: 40 of 1,612,416 alleles (0.0025%); highest among the groups gnomAD compares: African/African-American, 0.025%; no homozygotes.

Submissions (3):

Labcorp Genetics (formerly Invitae), Labcorp
Classification: Uncertain significance. Last evaluated: 2026-02-02. Review status: criteria provided, single submitter. Criteria: Invitae Variant Classification Sherloc (09022015). Collection method: clinical testing. Allele origin: germline.
Comment: This sequence change replaces arginine, which is basic and polar, with glutamine, which is neutral and polar, at codon 59 of the IMPG1 protein (p.Arg59Gln). This variant is present in population databases (rs147225489, gnomAD 0.03%). This variant has not been reported in the literature in individuals affected with IMPG1-related conditions. ClinVar contains an entry for this variant (Variation ID: 1038474). An algorithm developed to predict the effect of missense changes on protein structure and function outputs the following: PolyPhen-2: "Benign". The glutamine amino acid residue is found in multiple mammalian species, which suggests that this missense change does not adversely affect protein function. In summary, the available evidence is currently insufficient to determine the role of this variant in disease. Therefore, it has been classified as a Variant of Uncertain Significance.

PreventionGenetics, part of Exact Sciences
Classification: Uncertain significance for IMPG1-related condition. Last evaluated: 2025-11-15. Review status: criteria provided, single submitter. Criteria: ACMG Guidelines, 2015. Collection method: clinical testing. Allele origin: germline.
Comment: The IMPG1 c.176G>A variant is predicted to result in the amino acid substitution p.Arg59Gln. To our knowledge, this variant has not been reported in the literature. This variant is reported in 0.028% of alleles in individuals of African descent in gnomAD, which may be too frequent to be a primary cause of disease. Although we suspect that this variant may be benign, at this time, the clinical significance of this variant is uncertain due to the absence of conclusive functional and genetic evidence.

Ambry Genetics
Classification: Uncertain significance. Last evaluated: 2025-06-19. Review status: criteria provided, single submitter. Criteria: Ambry Variant Classification Scheme 2023. Collection method: clinical testing. Allele origin: germline.

NM_001563.4(IMPG1):c.176G>A (p.Arg59Gln)

Gene: IMPG1 (interphotoreceptor matrix proteoglycan 1; minus strand). Cytogenetic location: 6q14.1.
Variant type: single nucleotide variant.
Coding change: c.176G>A on transcript NM_001563.4 (MANE Select); coding-DNA position 176, G replaced by A.
Protein change: p.Arg59Gln; replaces arginine 59 with glutamine.
Molecular consequence: missense variant. On other transcripts: intron variant (1).
Genome position (GRCh38, 1-based): chr6:76,042,018, C>T on the plus strand (G>A on the coding strand, the complement: IMPG1 is on the minus strand). VCF-style: chr6-76042018-C-T. GRCh37 (hg19) VCF-style: chr6-76751735-C-T.
Other names: c.68-7231G>A (NM_001282368.2); c.176G>A (NM_001563.3, NM_001563.2); short protein forms R59Q.
Identifiers: ClinVar variation 1038474 (VCV001038474.10), dbSNP rs147225489, ClinGen allele CA3898625.
Genomic context (GRCh38, chr6:76,042,018, plus strand): 5'-TTAACCCCCGTTGGGAAAAATGCGGATCTTTTTGTTCGATGCTTTGCCAAATCGAATATT[C>T]GTCTCATAGTTGACATTTTGTACATTTTTTCAGTACTTTCAGTTGTTTCATTTCTTGGGG-3'
Protein context (NP_001554.2, residues 49-69): EKMYKMSTMR[Arg59Gln]IFDLAKHRTK